The following is an entry in ClinVar:

ClinVar aggregate classification (germline): Likely benign (1 of 4 stars; one submission).

Allele frequency attached by ClinVar (database versions not stated): gnomAD exomes 0.00015; gnomAD 0.00088; TOPMed 0.00107.
gnomAD v4.1: 183 of 456,062 alleles (0.04%); highest among the groups gnomAD compares: African/African-American, 0.33%; no homozygotes.

Submission:

CeGaT Center for Human Genetics Tuebingen
Classification: Likely benign. Last evaluated: 2022-11-01. Review status: criteria provided, single submitter. Criteria: CeGaT Center For Human Genetics Tuebingen Variant Classification Criteria Version 2. Collection method: clinical testing. Allele origin: germline. Affected: yes. Observed: 1 variant allele.
Comment: ZMIZ1: BS1

NM_020338.4(ZMIZ1):c.426-4205C>T

Genes: ZMIZ1 (zinc finger MIZ-type containing 1; plus strand), LOC128462388 (CRISPRi-FlowFISH-validated PPIF regulatory element GRCh37_chr10:81044989-81045489; plus strand). Cytogenetic location: 10q22.3.
Variant type: single nucleotide variant.
Coding change: c.426-4205C>T on transcript NM_020338.4 (MANE Select); 4205 bases into the intron before coding-DNA position 426, C replaced by T.
Molecular consequence: intron variant.
Genome position (GRCh38, 1-based): chr10:79,285,570, C>T. VCF-style: chr10-79285570-C-T. GRCh37 (hg19) VCF-style: chr10-81045327-C-T.
Identifiers: ClinVar variation 2640633 (VCV002640633.24), dbSNP rs967795537, ClinGen allele CA210204383.